The following is an entry in ClinVar:

NM_000178.4(GSS):c.609-16T>G

Gene: GSS (glutathione synthetase; minus strand). Cytogenetic location: 20q11.22.
Variant type: single nucleotide variant.
Coding change: c.609-16T>G on transcript NM_000178.4 (MANE Select); 16 bases into the intron before coding-DNA position 609, T replaced by G.
Molecular consequence: intron variant.
Genome position (GRCh38, 1-based): chr20:34,937,039, A>C on the plus strand (T>G on the coding strand, the complement: GSS is on the minus strand). VCF-style: chr20-34937039-A-C. GRCh37 (hg19) VCF-style: chr20-33524842-A-C.
Other names: c.609-16T>G (NM_001322494.1, NM_001322495.1).
Identifiers: ClinVar variation 2766161 (VCV002766161.4), dbSNP rs1000890314, ClinGen allele CA313480891.

ClinVar aggregate classification (germline): Likely benign. Review status: criteria provided, multiple submitters, no conflicts (2 of 4 stars). 2 submissions from 2 submitters: Likely benign (2). Last evaluated 2025-07-22.

Conditions:
Glutathione synthetase deficiency with 5-oxoprolinuria. Also called: PYROGLUTAMIC ACIDURIA; 5-Oxoprolinuria; Gluthathione synthetase deficiency; 5-OXOPROLINURIA DUE TO GLUTATHIONE SYNTHETASE DEFICIENCY; Reduced glutathione synthetase level. Identifiers: Orphanet 289846, MedGen C0398746, MONDO:0009947, OMIM 266130, HP:0003343.

Allele frequency attached by ClinVar (database versions not stated): gnomAD exomes below 0.00001.
gnomAD v4.1: 5 of 1,585,476 alleles (0.00032%); highest among the groups gnomAD compares: Non-Finnish European, 0.00043%; no homozygotes.

Submissions (2):

Women's Health and Genetics/Laboratory Corporation of America, LabCorp
Classification: Likely benign. Last evaluated: 2025-07-22. Review status: criteria provided, single submitter. Criteria: LabCorp Variant Classification Summary - May 2015. Collection method: clinical testing. Allele origin: germline.
Comment: Variant summary: GSS c.609-16T>G alters a nucleotide located at a position not widely known to affect splicing. Consensus agreement among computation tools predict no significant impact on normal splicing. However, these predictions have yet to be confirmed by functional studies. The variant was absent in 251266 control chromosomes (gnomAD). The available data on variant occurrences in the general population are insufficient to allow any conclusion about variant significance. To our knowledge, no occurrence of c.609-16T>G in individuals affected with Glutathione Synthetase Deficiency and no experimental evidence demonstrating its impact on protein function have been reported. ClinVar contains an entry for this variant (Variation ID: 2766161). Based on the evidence outlined above, the variant was classified as likely benign.

Labcorp Genetics (formerly Invitae), Labcorp
Classification: Likely benign for Glutathione synthetase deficiency with 5-oxoprolinuria. Last evaluated: 2023-01-09. Review status: criteria provided, single submitter. Criteria: Invitae Variant Classification Sherloc (09022015). Collection method: clinical testing. Allele origin: germline.